The following is an entry in ClinVar:

ClinVar aggregate classification (germline): Likely benign (0 of 4 stars; one submission).

Conditions:
EPB41L1-related disorder. Also called: EPB41L1-related condition.

Allele frequency attached by ClinVar (database versions not stated): gnomAD 0.00005; TOPMed 0.00008; gnomAD exomes 0.00009; ExAC 0.00010; 1000 Genomes Project 0.00060; 1000 Genomes Project 30x 0.00094.
gnomAD v4.1: 142 of 1,614,126 alleles (0.0088%); highest among the groups gnomAD compares: East Asian, 0.087%; no homozygotes.

Submission:

PreventionGenetics, part of Exact Sciences
Classification: Likely benign for EPB41L1-related condition. Last evaluated: 2022-06-14. Review status: no assertion criteria provided. Collection method: clinical testing. Allele origin: germline.
Comment: This variant is classified as likely benign based on ACMG/AMP sequence variant interpretation guidelines (Richards et al. 2015 PMID: 25741868, with internal and published modifications).

NM_012156.2(EPB41L1):c.1949C>T (p.Ser650Leu)

Gene: EPB41L1 (erythrocyte membrane protein band 4.1 like 1; plus strand). Cytogenetic location: 20q11.23.
Variant type: single nucleotide variant.
Coding change: c.1949C>T on transcript NM_012156.2 (MANE Select); coding-DNA position 1949, C replaced by T.
Protein change: p.Ser650Leu; replaces serine 650 with leucine.
Molecular consequence: missense variant. On other transcripts: intron variant (20).
Genome position (GRCh38, 1-based): chr20:36,209,768, C>T. VCF-style: chr20-36209768-C-T. GRCh37 (hg19) VCF-style: chr20-34797690-C-T.
Other names: c.1949C>T, p.Ser650Leu (NM_001258329.1, NM_001424397.1); c.1727C>T, p.Ser576Leu (NM_001258331.2, NM_001424390.1, NM_001424393.1 and 4 more transcripts); c.1724C>T, p.Ser575Leu (NM_001424389.1, NM_001424391.1, NM_001424392.1); c.1910C>T, p.Ser637Leu (NM_001424395.1, NM_001424398.1, NM_001424399.1); c.1913C>T, p.Ser638Leu (NM_001424396.1, NM_001424400.1, NM_001424401.1); c.1946C>T, p.Ser649Leu (NM_001424402.1); c.1540-2504C>T (NM_001258330.1); c.1447-2504C>T (NM_001424405.1, NM_001424404.1, NM_001424403.1 and 4 more transcripts); and 5 more; short protein forms S575L, S576L, S637L, S638L, S649L, S650L.
Identifiers: ClinVar variation 3051190 (VCV003051190.2), dbSNP rs201212477, ClinGen allele CA9840128.